The following is an entry in ClinVar:

NM_206933.4(USH2A):c.5789G>A (p.Arg1930Gln)

Genes: USH2A-AS2 (USH2A antisense RNA 2; plus strand), USH2A (usherin; minus strand). Cytogenetic location: 1q41.
Variant type: single nucleotide variant.
Coding change: c.5789G>A on transcript NM_206933.4 (MANE Select); coding-DNA position 5789, G replaced by A.
Protein change: p.Arg1930Gln; replaces arginine 1930 with glutamine.
Molecular consequence: missense variant.
Genome position (GRCh38, 1-based): chr1:216,072,957, C>T on the plus strand (G>A on the coding strand, the complement: USH2A is on the minus strand). VCF-style: chr1-216072957-C-T. GRCh37 (hg19) VCF-style: chr1-216246299-C-T.
Other names: c.5789G>A (NM_206933.2); short protein forms R1930Q.
Identifiers: ClinVar variation 1377466 (VCV001377466.7), dbSNP rs200348779, ClinGen allele CA1395350.

ClinVar aggregate classification (germline): Uncertain significance. Review status: criteria provided, multiple submitters, no conflicts (2 of 4 stars). 6 submissions from 5 submitters: Uncertain significance (6). Last evaluated 2025-11-07.

Conditions:
Usher syndrome type 2A. Also called: RETINAL DISEASE IN USHER SYNDROME TYPE IIA, MODIFIER OF; USHER SYNDROME, TYPE IIA. Identifiers: Orphanet 231178, Orphanet 886, MedGen C1848634, MONDO:0010169, OMIM 276901.
Retinitis pigmentosa 39 (RP39). Identifiers: Orphanet 791, MedGen C3151138, MONDO:0013436, OMIM 613809.
Inborn genetic diseases. Identifiers: MedGen C0950123, MeSH D030342.
USH2A-related disorder. Also called: USH2A-related disorders; USH2A-related condition. Identifiers: MedGen CN239332.

Allele frequency attached by ClinVar (database versions not stated): ExAC 0.00006; gnomAD 0.00006 and 0.00008; gnomAD exomes 0.00006; 1000 Genomes Project 30x 0.00016; 1000 Genomes Project 0.00020.
gnomAD v4.1: 95 of 1,613,664 alleles (0.0059%); highest among the groups gnomAD compares: South Asian, 0.023%; no homozygotes.

Submissions (6):

PreventionGenetics, part of Exact Sciences
Classification: Uncertain significance for USH2A-related condition. Last evaluated: 2025-11-07. Review status: criteria provided, single submitter. Criteria: ACMG Guidelines, 2015. Collection method: clinical testing. Allele origin: germline.
Comment: The USH2A c.5789G>A variant is predicted to result in the amino acid substitution p.Arg1930Gln. This variant was reported, along with two other potential causative variants in the same gene, in an individual with Usher syndrome (supplementary data, Weisschuh et al. 2024. PubMed ID: 37734845). This variant is reported in 0.020% of alleles in individuals of South Asian descent in gnomAD. At this time, the clinical significance of this variant is uncertain due to the absence of conclusive functional and genetic evidence.

Blueprint Genetics
Classification: Uncertain significance. Last evaluated: 2024-10-28. Review status: criteria provided, single submitter. Criteria: ACMG Guidelines, 2015. Collection method: clinical testing. Allele origin: germline.

Genome-Nilou Lab
Classification: Uncertain significance for Retinitis pigmentosa 39. Last evaluated: 2023-11-04. Review status: criteria provided, single submitter. Criteria: ACMG Guidelines, 2015. Collection method: clinical testing. Allele origin: germline. Affected: no.

Genome-Nilou Lab
Classification: Uncertain significance for Usher syndrome type 2A. Last evaluated: 2023-11-04. Review status: criteria provided, single submitter. Criteria: ACMG Guidelines, 2015. Collection method: clinical testing. Allele origin: germline. Affected: no.

Ambry Genetics
Classification: Uncertain significance for Inborn genetic diseases. Last evaluated: 2023-06-21. Review status: criteria provided, single submitter. Criteria: Ambry Variant Classification Scheme 2023. Collection method: clinical testing. Allele origin: germline.

Labcorp Genetics (formerly Invitae), Labcorp
Classification: Uncertain significance. Last evaluated: 2021-12-09. Review status: criteria provided, single submitter. Criteria: Invitae Variant Classification Sherloc (09022015). Collection method: clinical testing. Allele origin: germline.
Comment: This sequence change replaces arginine, which is basic and polar, with glutamine, which is neutral and polar, at codon 1930 of the USH2A protein (p.Arg1930Gln). This variant is present in population databases (rs200348779, gnomAD 0.02%). This variant has not been reported in the literature in individuals affected with USH2A-related conditions. Algorithms developed to predict the effect of missense changes on protein structure and function (SIFT, PolyPhen-2, Align-GVGD) all suggest that this variant is likely to be disruptive. In summary, the available evidence is currently insufficient to determine the role of this variant in disease. Therefore, it has been classified as a Variant of Uncertain Significance.